The following is an entry in ClinVar:

ClinVar aggregate classification (germline): Uncertain significance (1 of 4 stars; one submission).

Conditions:
Inborn genetic diseases. Identifiers: MedGen C0950123, MeSH D030342.

Submission:

Ambry Genetics
Classification: Uncertain significance for Inborn genetic diseases. Last evaluated: 2022-04-19. Review status: criteria provided, single submitter. Criteria: Ambry Variant Classification Scheme 2023. Collection method: clinical testing. Allele origin: germline.
Comment: The p.V183F variant (also known as c.547G>T), located in coding exon 5 of the EPAS1 gene, results from a G to T substitution at nucleotide position 547. The valine at codon 183 is replaced by phenylalanine, an amino acid with highly similar properties. This amino acid position is conserved. In addition, this alteration is predicted to be deleterious by in silico analysis. Since supporting evidence is limited at this time, the clinical significance of this alteration remains unclear.

NM_001430.5(EPAS1):c.547G>T (p.Val183Phe)

Genes: EPAS1 (endothelial PAS domain protein 1; plus strand), LOC126806210 (BRD4-independent group 4 enhancer GRCh37_chr2:46587586-46588785; plus strand). Cytogenetic location: 2p21.
Variant type: single nucleotide variant.
Coding change: c.547G>T on transcript NM_001430.5 (MANE Select); coding-DNA position 547, G replaced by T.
Protein change: p.Val183Phe; replaces valine 183 with phenylalanine.
Molecular consequence: missense variant.
Genome position (GRCh38, 1-based): chr2:46,360,730, G>T. VCF-style: chr2-46360730-G-T. GRCh37 (hg19) VCF-style: chr2-46587869-G-T.
Other names: short protein forms V183F.
Identifiers: ClinVar variation 1747798 (VCV001747798.2), dbSNP rs2546455020, ClinGen allele CA346699389.